The following is an entry in ClinVar:

NM_000548.5(TSC2):c.1362-32C>G

Gene: TSC2 (TSC complex subunit 2; plus strand). Cytogenetic location: 16p13.3.
Variant type: single nucleotide variant.
Coding change: c.1362-32C>G on transcript NM_000548.5 (MANE Select); 32 bases into the intron before coding-DNA position 1362, C replaced by G.
Molecular consequence: intron variant.
Genome position (GRCh38, 1-based): chr16:2,062,940, C>G. VCF-style: chr16-2062940-C-G. GRCh37 (hg19) VCF-style: chr16-2112941-C-G.
Other names: c.1362-32C>G (NM_000548.4, NM_001114382.3, NM_021055.3 and 4 more transcripts); c.1251-32C>G (NM_001318827.2); c.762-32C>G (NM_001318831.2); c.1215-32C>G (NM_001318829.2); c.1395-32C>G (NM_001318832.2).
Identifiers: ClinVar variation 49703 (VCV000049703.6), dbSNP rs45517166, ClinGen allele CA014564.
Genomic context (GRCh38, chr16:2,062,940, plus strand): 5'-CAGAGTCGGGCTGGCCTGCGCCAGGCAGACGGGCTGGTGTGGGGCTGTGGCCGGGCACTC[C>G]CCACCCGCCCCAGCAGGCTGCCGTCCCGCAGGAGCGAGTCCCGAGGCGCCGTGCGCATCA-3'

ClinVar aggregate classification (germline): Likely benign. Review status: criteria provided, multiple submitters, no conflicts (2 of 4 stars). 6 submissions from 6 submitters: Likely benign (3). 3 of the submissions do not count toward it. Last evaluated 2023-07-07.

Conditions:
Tuberous sclerosis syndrome (TSC). Also called: Tuberous Sclerosis Complex; Tuberous sclerosis. Identifiers: Orphanet 805, MedGen C0041341, MONDO:0001734.
Tuberous sclerosis 2 (TSC2). Identifiers: Orphanet 805, MedGen C1860707, MONDO:0013199, OMIM 613254.

Allele frequency attached by ClinVar (database versions not stated): 1000 Genomes Project 30x 0.00172; 1000 Genomes Project 0.00200; ExAC 0.00256; ESP Exome Variant Server 0.00301; gnomAD exomes 0.00380; gnomAD 0.00387 and 0.00391; TOPMed 0.00414.
gnomAD v4.1: 9,186 of 1,545,804 alleles (0.59%); highest among the groups gnomAD compares: Non-Finnish European, 0.71%; 32 homozygotes.

Submissions (6):

KCCC/NGS Laboratory, Kuwait Cancer Control Center
Classification: Likely benign for Tuberous sclerosis 2. Last evaluated: 2023-07-07. Review status: criteria provided, single submitter. Criteria: ACMG Guidelines, 2015. Collection method: clinical testing. Allele origin: germline. Affected: yes.

CSER _CC_NCGL, University of Washington
Classification: Likely benign for Tuberous sclerosis 2. Last evaluated: 2016-01-01. Review status: criteria provided, single submitter. Criteria: Amendola et al. (Genome Res. 2015). Collection method: research. Allele origin: germline. Inheritance: Autosomal dominant inheritance. Study: CSER - NEXT Medicine variant annotation.
Comment: Two of the three entries for this variant in the Leiden Open Variant Database (LOVD) report that it was identified in patients with other definite pathogenic variants. .GERP=-4.3.ExAC Alt Allele Frequencies=AFR:0.043%,NFE:0.471%,EAS:0.0%,SAS:0.115%,FIN:0.0%,AMR:0.680%,OTH:0.568%.

Breakthrough Genomics
Classification: Likely benign. Review status: criteria provided, single submitter. Criteria: ACMG Guidelines, 2015. Collection method: not provided. Allele origin: germline. Inheritance: Autosomal dominant inheritance. Affected: yes.

Clinical Genetics DNA and cytogenetics Diagnostics Lab, Erasmus MC, Erasmus Medical Center
Classification: Benign. Review status: no assertion criteria provided. Collection method: clinical testing. Allele origin: germline. Affected: yes. Study: VKGL Data-share Consensus. Not counted in ClinVar's aggregate classification.

Clinical Genetics Laboratory, Department of Pathology, Netherlands Cancer Institute
Classification: Benign. Review status: no assertion criteria provided. Collection method: clinical testing. Allele origin: germline. Affected: yes. Study: VKGL Data-share Consensus. Not counted in ClinVar's aggregate classification.

Tuberous sclerosis database (TSC2)
No classification provided. Condition: TSC. Review status: no classification provided. Criteria: Tuberous Sclerosis Database Assertion Criteria 2015. Collection method: curation. Allele origin: germline. Affected: yes. Not counted in ClinVar's aggregate classification.